The following is an entry in ClinVar:

ClinVar aggregate classification (germline): Likely pathogenic. Review status: criteria provided, multiple submitters, no conflicts (2 of 4 stars). 3 submissions from 3 submitters: Likely pathogenic (2). 1 of the submissions does not count toward it. Last evaluated 2017-06-30.

Conditions:
Rare genetic deafness. Identifiers: Orphanet 96210, MedGen C5680250.
Autosomal recessive nonsyndromic hearing loss 1A (DFNB1A). Also called: Nonsyndromic Hearing Loss and Deafness, DFNB1; GJB6-Related DFNB 1 Nonsyndromic Hearing Loss and Deafness; Deafness, autosomal recessive 1A; Connexin 26 deafness; Deafness nonsyndromic, Connexin 26 linked; GJB2-Related Autosomal Recessive Nonsyndromic Hearing Loss. Identifiers: Orphanet 90636, MedGen C2673759, MONDO:0009076, OMIM 220290.
Mutilating keratoderma (VOWNKL). Also called: Keratoderma hereditarium mutilans. Identifiers: Orphanet 494, MedGen C0265964, MONDO:0007422, OMIM 124500.
Ichthyosis, hystrix-like, with hearing loss. Also called: Hystrix-like ichthyosis with deafness. Identifiers: Orphanet 477, MedGen C1865234, MONDO:0011245.
Palmoplantar keratoderma-deafness syndrome. Also called: Keratoderma palmoplantar, with deafness; Palmoplantar keratoderma and sensorineural deafness; Hereditary palmoplantar keratoderma with deafness (subtype); Focal palmoplantar keratoderma with sensorineural deafness (subtype); Diffuse palmoplantar keratoderma with deafness (subtype). Identifiers: Orphanet 2202, MedGen C1835672, MONDO:0007852, OMIM 148350.
Knuckle pads, deafness AND leukonychia syndrome. Also called: Bart-Pumphrey syndrome. Identifiers: Orphanet 2698, MedGen C0266004, MONDO:0007866, OMIM 149200.
Autosomal dominant nonsyndromic hearing loss 3A. Identifiers: Orphanet 90635, MedGen C2675750, MONDO:0011103, OMIM 601544.

Submissions (3):

GeneDx
Classification: Likely pathogenic. Last evaluated: 2017-06-30. Review status: criteria provided, single submitter. Criteria: GeneDx Variant Classification (06012015). Collection method: clinical testing. Allele origin: germline. Affected: yes.
Comment: The c.645delT variant in the GJB2 gene has been reported previously, using alternate nomenclature as c.644delT, along with the c.35delG variant in a pediatric patient with prelingual nonsyndromic sensorineural hearing loss, though it was unclear if the parents were tested to determine phase of the variants (Angeli et al., 2008; King et al., 2012). The c.645delT variant causes a frameshift starting with codon Arginine 216, changes this amino acid to an Aspartic acid residue, and creates a premature Stop codon at position 18 of the new reading frame, denoted p.Arg216AspfsX18. The c.645delT variant is not observed in large population cohorts (Lek et al., 2016; 1000 Genomes Consortium et al., 2015; Exome Variant Server). We interpret c.645delT as a likely pathogenic variant.

Laboratory for Molecular Medicine, Mass General Brigham Personalized Medicine
Classification: Likely pathogenic for Rare genetic deafness. Last evaluated: 2016-06-02. Review status: criteria provided, single submitter. Criteria: LMM Criteria. Collection method: clinical testing. Allele origin: germline. Inheritance: Autosomal recessive inheritance. Observed: 2 variant alleles.
Comment: The p.Arg216AspfsExtX6 variant in GJB2 has been reported in 1 individual with no nsyndromic hearing loss (Angeli 2008), and was absent from large population stud ies. This variant is predicted to cause a frameshift, which alters the protein?s amino acid sequence beginning at position 216 and leads to a new termination co don 18 amino acids downstream, thus resulting in a longer protein (the abnormal protein is 6 amino acids longer than the normal protein). In summary, although a dditional studies are required to fully establish its clinical significance, thi s variant is likely pathogenic.

Counsyl
Classification: Likely pathogenic for Autosomal recessive nonsyndromic hearing loss 1A. Last evaluated: 2017-01-03. Review status: no assertion criteria provided. Collection method: clinical testing. Allele origin: unknown. Not counted in ClinVar's aggregate classification.

Literature cited by the submitters: PubMed 18758381 (cited by Laboratory for Molecular Medicine, Mass General Brigham Personalized Medicine); PubMed 22785241 (cited by Counsyl).

NM_004004.6(GJB2):c.645del (p.Arg216fs)

Gene: GJB2 (gap junction protein beta 2; minus strand). Cytogenetic location: 13q12.11.
Variant type: Deletion.
Coding change: c.645del on transcript NM_004004.6 (MANE Select); coding-DNA position 645, one base deleted (T; older notation c.645delT).
Protein change: p.Arg216fs; shifts the reading frame from arginine 216.
Molecular consequence: frameshift variant.
Genome position (GRCh38, 1-based): chr13:20,188,937, A deleted on the plus strand (T on the coding strand, the reverse complement: GJB2 is on the minus strand); the first of 2 consecutive A bases (chr13:20,188,937-20,188,938); deleting either gives the same sequence. VCF-style (leftmost placement, unchanged base first): chr13-20188936-TA-T. GRCh37 (hg19) VCF-style: chr13-20763075-TA-T.
Other names: c.645delT (NM_004004.5); c.645del (NM_004004.5); short protein forms R216fs.
Identifiers: ClinVar variation 449487 (VCV000449487.9), dbSNP rs1555341794, ClinGen allele CA658656317.